The following is an entry in ClinVar:

NM_004588.5(SCN2B):c.367G>A (p.Gly123Arg)

Gene: SCN2B (sodium voltage-gated channel beta subunit 2; minus strand). Cytogenetic location: 11q23.3.
Variant type: single nucleotide variant.
Coding change: c.367G>A on transcript NM_004588.5 (MANE Select); coding-DNA position 367, G replaced by A.
Protein change: p.Gly123Arg; replaces glycine 123 with arginine.
Molecular consequence: missense variant.
Genome position (GRCh38, 1-based): chr11:118,168,166, C>T on the plus strand (G>A on the coding strand, the complement: SCN2B is on the minus strand). VCF-style: chr11-118168166-C-T. GRCh37 (hg19) VCF-style: chr11-118038881-C-T.
Other names: short protein forms G123R.
Identifiers: ClinVar variation 2848304 (VCV002848304.3), dbSNP rs1003781488, ClinGen allele CA229506998.

ClinVar aggregate classification (germline): Uncertain significance (1 of 4 stars; one submission).

Conditions:
Atrial fibrillation, familial, 14 (ATFB14). Identifiers: MedGen C3809312, MONDO:0014156, OMIM 615378.

Submission:

Labcorp Genetics (formerly Invitae), Labcorp
Classification: Uncertain significance for Atrial fibrillation, familial, 14. Last evaluated: 2025-02-19. Review status: criteria provided, single submitter. Criteria: Invitae Variant Classification Sherloc (09022015). Collection method: clinical testing. Allele origin: germline.
Comment: This sequence change replaces glycine, which is neutral and non-polar, with arginine, which is basic and polar, at codon 123 of the SCN2B protein (p.Gly123Arg). This variant is not present in population databases (gnomAD no frequency). This variant has not been reported in the literature in individuals affected with SCN2B-related conditions. ClinVar contains an entry for this variant (Variation ID: 2848304). An algorithm developed to predict the effect of missense changes on protein structure and function (PolyPhen-2) suggests that this variant is likely to be disruptive. In summary, the available evidence is currently insufficient to determine the role of this variant in disease. Therefore, it has been classified as a Variant of Uncertain Significance.